The following is an entry in ClinVar:

ClinVar aggregate classification (germline): Conflicting classifications of pathogenicity. Review status: criteria provided, conflicting classifications (1 of 4 stars). 3 submissions from 3 submitters: Uncertain significance (2); Likely benign (1). Last evaluated 2025-11-12.

Conditions:
Familial melanoma. Also called: Hereditary melanoma; Hereditary cutaneous melanoma. Identifiers: Orphanet 618, MedGen C1512419, MONDO:0018961.
Hereditary cancer-predisposing syndrome. Also called: Tumor predisposition; Neoplastic Syndromes, Hereditary; Hereditary neoplastic syndrome; Hereditary Cancer Syndrome. Identifiers: Orphanet 140162, MedGen C0027672, MeSH D009386, MONDO:0015356.

Allele frequency attached by ClinVar (database versions not stated): gnomAD exomes 0.00001; ExAC 0.00003.
gnomAD v4.1: 5 of 1,611,782 alleles (0.00031%); highest among the groups gnomAD compares: East Asian, 0.0022%; no homozygotes.

Submissions (3):

Color Diagnostics, LLC DBA Color Health
Classification: Likely benign for Hereditary cancer-predisposing syndrome. Last evaluated: 2025-11-12. Review status: criteria provided, single submitter. Criteria: ACMG Guidelines, 2015. Collection method: clinical testing. Allele origin: germline.

Ambry Genetics
Classification: Uncertain significance for Hereditary cancer-predisposing syndrome. Last evaluated: 2025-08-08. Review status: criteria provided, single submitter. Criteria: Ambry Variant Classification Scheme 2023. Collection method: clinical testing. Allele origin: germline.
Comment: The p.G136D variant (also known as c.407G>A), located in coding exon 2 of the CDKN2A gene, results from a G to A substitution at nucleotide position 407. The glycine at codon 136 is replaced by aspartic acid, an amino acid with similar properties. Of note, this variant is also known as c.450G>A in the p14(ARF) isoform. This amino acid position is poorly conserved in available vertebrate species. In addition, this alteration is predicted to be tolerated by in silico analysis. Based on the available evidence, the clinical significance of this variant remains unclear.

Labcorp Genetics (formerly Invitae), Labcorp
Classification: Uncertain significance for Familial melanoma. Last evaluated: 2025-08-07. Review status: criteria provided, single submitter. Criteria: Invitae Variant Classification Sherloc (09022015). Collection method: clinical testing. Allele origin: germline.
Comment: This sequence change replaces glycine, which is neutral and non-polar, with aspartic acid, which is acidic and polar, at codon 136 of the CDKN2A (p16INK4a) protein (p.Gly136Asp). This variant is present in population databases (rs758832729, gnomAD 0.003%). This variant has not been reported in the literature in individuals affected with CDKN2A (p16INK4a)-related conditions. ClinVar contains an entry for this variant (Variation ID: 925925). An algorithm developed to predict the effect of missense changes on protein structure and function outputs the following: PolyPhen-2: "Benign". The aspartic acid amino acid residue is found in multiple mammalian species, which suggests that this missense change does not adversely affect protein function. In summary, the available evidence is currently insufficient to determine the role of this variant in disease. Therefore, it has been classified as a Variant of Uncertain Significance.

NM_000077.5(CDKN2A):c.407G>A (p.Gly136Asp)

Gene: CDKN2A (cyclin dependent kinase inhibitor 2A; minus strand). Cytogenetic location: 9p21.3.
Variant type: single nucleotide variant.
Coding change: c.407G>A on transcript NM_000077.5; coding-DNA position 407, G replaced by A.
Protein change: p.Gly136Asp; replaces glycine 136 with aspartic acid.
Molecular consequence: missense variant (on NM_000077.6). On other transcripts: 3 prime UTR variant (2).
Genome position (GRCh38, 1-based): chr9:21,970,952, C>T on the plus strand (G>A on the coding strand, the complement: CDKN2A is on the minus strand). VCF-style: chr9-21970952-C-T. GRCh37 (hg19) VCF-style: chr9-21970951-C-T.
Other names: c.407G>A, p.Gly136Asp (NM_000077.6, NM_001195132.2); c.254G>A, p.Gly85Asp (NM_001363763.2); c.*51G>A (NM_058195.4); c.*330G>A (NM_058197.5); short protein forms G136D, G85D.
Identifiers: ClinVar variation 925925 (VCV000925925.12), dbSNP rs758832729, ClinGen allele CA5012161.